The following is an entry in ClinVar:

NM_006431.3(CCT2):c.1421C>G (p.Thr474Ser)

Gene: CCT2 (chaperonin containing TCP1 subunit 2; plus strand). Cytogenetic location: 12q15.
Variant type: single nucleotide variant.
Coding change: c.1421C>G on transcript NM_006431.3 (MANE Select); coding-DNA position 1421, C replaced by G.
Protein change: p.Thr474Ser; replaces threonine 474 with serine.
Molecular consequence: missense variant.
Genome position (GRCh38, 1-based): chr12:69,598,407, C>G. VCF-style: chr12-69598407-C-G. GRCh37 (hg19) VCF-style: chr12-69992187-C-G.
Other names: c.1280C>G, p.Thr427Ser (NM_001198842.2); short protein forms T427S, T474S.
Identifiers: ClinVar variation 2166945 (VCV002166945.4), dbSNP rs917522595, ClinGen allele CA239120611.

ClinVar aggregate classification (germline): Uncertain significance (1 of 4 stars; one submission).

Allele frequency attached by ClinVar (database versions not stated): TOPMed 0.00002; gnomAD 0.00003; gnomAD exomes 0.00005.
gnomAD v4.1: 81 of 1,592,132 alleles (0.0051%); highest among the groups gnomAD compares: Non-Finnish European, 0.0067%; no homozygotes.

Submission:

Labcorp Genetics (formerly Invitae), Labcorp
Classification: Uncertain significance. Last evaluated: 2025-12-28. Review status: criteria provided, single submitter. Criteria: Invitae Variant Classification Sherloc (09022015). Collection method: clinical testing. Allele origin: germline.
Comment: This sequence change replaces threonine, which is neutral and polar, with serine, which is neutral and polar, at codon 474 of the CCT2 protein (p.Thr474Ser). This variant is present in population databases (no rsID available, gnomAD 0.003%). This variant has not been reported in the literature in individuals affected with CCT2-related conditions. ClinVar contains an entry for this variant (Variation ID: 2166945). An algorithm developed to predict the effect of missense changes on protein structure and function (PolyPhen-2) suggests that this variant is likely to be tolerated. In summary, the available evidence is currently insufficient to determine the role of this variant in disease. Therefore, it has been classified as a Variant of Uncertain Significance.